The following is an entry in ClinVar:

ClinVar aggregate classification (germline): Conflicting classifications of pathogenicity. Review status: criteria provided, conflicting classifications (1 of 4 stars). 5 submissions from 5 submitters: Uncertain significance (4); Benign (1). Last evaluated 2024-05-08.

Conditions:
Inborn genetic diseases. Identifiers: MedGen C0950123, MeSH D030342.
Lymphatic malformation 6 (LMPHM6). Also called: Lymphedema, hereditary, III; PIEZO1-related generalized lymphatic dysplasia with non-immune hydrops fetalis; GENERALIZED LYMPHATIC DYSPLASIA OF FOTIOU. Identifiers: Orphanet 568062, MedGen C4225184, MONDO:0014797, OMIM 616843.

Allele frequency attached by ClinVar (database versions not stated): ESP Exome Variant Server 0.00022; gnomAD 0.00027 and 0.00028; 1000 Genomes Project 30x 0.00031; gnomAD exomes 0.00003; ExAC 0.00011; 1000 Genomes Project 0.00020.
gnomAD v4.1: 100 of 1,550,196 alleles (0.0065%); highest among the groups gnomAD compares: African/African-American, 0.1%; no homozygotes.

Submissions (5):

Clinical Genomics Laboratory, Washington University in St. Louis
Classification: Uncertain significance for Lymphatic malformation 6. Last evaluated: 2024-05-08. Review status: criteria provided, single submitter. Criteria: ACMG Guidelines, 2015. Collection method: clinical testing. Allele origin: germline.
Comment: A PIEZO1 c.5105C>T (p.Thr1702Met) was identified at a near heterozygous allelic fraction of 49.3%, which may be consistent with germline origin. This variant, to our knowledge, has not been reported in the medical literature, however, has been reported in the ClinVar database as a germline variant of uncertain significance by two submitters and as a benign variant by one submitter (Clinvar ID: 1693676). It is only observed on 100/1,550,196 alleles in the general population (gnomAD v.4.1.0). Computational predictors suggest that the variant does not impact PIEZO1 function. Due to limited information, and based on ACMG/AMP guidelines for variant interpretation (Richards S et al., PMID: 25741868), the clinical significance of this variant is uncertain at this time.

GeneDx
Classification: Uncertain significance. Last evaluated: 2023-09-28. Review status: criteria provided, single submitter. Criteria: GeneDx Variant Classification Process June 2021. Collection method: clinical testing. Allele origin: germline. Affected: yes.
Comment: In silico analysis supports that this missense variant has a deleterious effect on protein structure/function; Has not been previously published as pathogenic or benign to our knowledge

Labcorp Genetics (formerly Invitae), Labcorp
Classification: Benign. Last evaluated: 2023-05-23. Review status: criteria provided, single submitter. Criteria: Invitae Variant Classification Sherloc (09022015). Collection method: clinical testing. Allele origin: germline.

Ambry Genetics
Classification: Uncertain significance for Inborn genetic diseases. Last evaluated: 2021-09-27. Review status: criteria provided, single submitter. Criteria: Ambry Variant Classification Scheme 2023. Collection method: clinical testing. Allele origin: germline.

Mayo Clinic Laboratories, Mayo Clinic
Classification: Uncertain significance. Last evaluated: 2021-05-21. Review status: criteria provided, single submitter. Criteria: ACMG Guidelines, 2015. Collection method: clinical testing. Allele origin: germline.

NM_001142864.4(PIEZO1):c.5105C>T (p.Thr1702Met)

Gene: PIEZO1 (piezo type mechanosensitive ion channel component 1 (Er blood group); minus strand). Cytogenetic location: 16q24.3.
Variant type: single nucleotide variant.
Coding change: c.5105C>T on transcript NM_001142864.4 (MANE Select); coding-DNA position 5105, C replaced by T.
Protein change: p.Thr1702Met; replaces threonine 1702 with methionine.
Molecular consequence: missense variant.
Genome position (GRCh38, 1-based): chr16:88,721,917, G>A on the plus strand (C>T on the coding strand, the complement: PIEZO1 is on the minus strand). VCF-style: chr16-88721917-G-A. GRCh37 (hg19) VCF-style: chr16-88788325-G-A.
Other names: p.Thr1702Met; short protein forms T1702M.
Identifiers: ClinVar variation 1693676 (VCV001693676.12), dbSNP rs377701196, ClinGen allele CA8231961.
Genomic context (GRCh38, chr16:88,721,917, plus strand): 5'-ATCGACAGCATGGCCCACAGGAAGACGAGCACGGGCAGCACCAGCGAGCCGGCGGAGGCC[G>A]TGACCATGTGGTTGAGGATGATGATGAAGTAGCAGAGCAGCTCCGAGTGGGCGGCCACAC-3'
Protein context (NP_001136336.2, residues 1692-1712): YFIIILNHMV[Thr1702Met]ASAGSLVLPV